The following is an entry in ClinVar:

NM_000179.3(MSH6):c.898_899del (p.Arg300fs)

Gene: MSH6 (mutS homolog 6; plus strand). Cytogenetic location: 2p16.3.
Variant type: Deletion.
Coding change: c.898_899del on transcript NM_000179.3 (MANE Select); coding-DNA positions 898 to 899, 2 bases deleted (CG; older notation c.898_899delCG).
Protein change: p.Arg300fs; shifts the reading frame from arginine 300.
Molecular consequence: frameshift variant. On other transcripts: 5 prime UTR variant (9), non-coding transcript variant (4), intron variant (1).
Genome position (GRCh38, 1-based): chr2:47,798,881-47,798,882, CG deleted; deleting any 2 consecutive bases within chr2:47,798,880-47,798,882 gives the same sequence; the c. name uses the placement nearest the transcript's 3' end. VCF-style (leftmost placement, unchanged base first): chr2-47798879-AGC-A. GRCh37 (hg19) VCF-style: chr2-48026018-AGC-A.
Other names: c.508_509del, p.Arg170fs (NM_001281492.2); c.-9_-8del (NM_001281493.2, NM_001281494.2, NM_001406811.1 and 6 more transcripts); c.994_995del, p.Arg332fs (NM_001406795.1, NM_001406802.1); c.898_899del, p.Arg300fs (NM_001406796.1, NM_001406798.1, NM_001406800.1 and 4 more transcripts); c.601_602del, p.Arg201fs (NM_001406797.1, NM_001406801.1, NM_001406805.1 and 10 more transcripts); c.373_374del, p.Arg125fs (NM_001406799.1, NM_001406806.1, NM_001406807.1); c.820_821del, p.Arg274fs (NM_001406804.1); c.904_905del, p.Arg302fs (NM_001406813.1); and 2 more; short protein forms R125fs, R170fs, R201fs, R244fs, R274fs, R300fs, R302fs, R332fs.
Identifiers: ClinVar variation 2673640 (VCV002673640.1), dbSNP rs2530576777, ClinGen allele CA2695200513.

ClinVar aggregate classification (germline): Pathogenic (1 of 4 stars; one submission).

Conditions:
Lynch syndrome 5 (LYNCH5). Also called: Colorectal cancer, hereditary nonpolyposis, type 5; Hereditary non-polyposis colorectal cancer, type 5. Identifiers: Orphanet 144, MedGen C1833477, MONDO:0013710, OMIM 614350. Disease mechanism: loss of function.

Submission:

Myriad Genetics, Inc.
Classification: Pathogenic for Lynch syndrome 5. Last evaluated: 2023-08-11. Review status: criteria provided, single submitter. Criteria: Myriad Autosomal Dominant, Autosomal Recessive and X-Linked Classification Criteria (2023). Collection method: clinical testing. Allele origin: unknown.
Comment: This variant is considered pathogenic. This variant creates a frameshift predicted to result in premature protein truncation.